The following is an entry in ClinVar:

ClinVar aggregate classification (germline): Likely pathogenic (1 of 4 stars; one submission).

Conditions:
Neurodevelopmental disorder with hypotonia, brain anomalies, distinctive facies, and absent language. Also called: ReNU SYNDROME; RNU4-2-Related Neurodevelopmental Disorder; RNU4-2–Related Autosomal Dominant Neurodevelopmental Disorder. Identifiers: Orphanet 686488, MedGen C5935628, MONDO:0971172, OMIM 620851.

Submission:

Centre for Population Genomics, CPG
Classification: Likely pathogenic for RNU4-2-Related Neurodevelopmental Disorder. Last evaluated: 2026-02-11. Review status: criteria provided, single submitter. Criteria: Ellingford et al. (Genome Med. 2022). Collection method: research. Allele origin: germline. Inheritance: Autosomal recessive inheritance. Affected: yes. Observed: 2 variant alleles, 2 compound heterozygotes.
Comment: PM2_supp,PS3_supp,PM1,PM3

NR_003137.3(RNU4-2):n.8C>G

Genes: RNU4-2 (RNA, U4 small nuclear 2; minus strand), SIRT4 (sirtuin 4; plus strand). Cytogenetic location: 12q24.23.
Variant type: single nucleotide variant.
Molecular consequence: non-coding transcript variant (on NR_003137.3).
Genome position: GRCh38 VCF-style: chr12-120291896-G-C. GRCh37 (hg19) VCF-style: chr12-120729699-G-C.
Identifiers: ClinVar variation 4795824 (VCV004795824.1).